The following is an entry in ClinVar:

NM_001035.3(RYR2):c.3208G>C (p.Asp1070His)

Gene: RYR2 (ryanodine receptor 2; plus strand). Cytogenetic location: 1q43.
Variant type: single nucleotide variant.
Coding change: c.3208G>C on transcript NM_001035.3 (MANE Select); coding-DNA position 3208, G replaced by C.
Protein change: p.Asp1070His; replaces aspartic acid 1070 with histidine.
Molecular consequence: missense variant.
Genome position (GRCh38, 1-based): chr1:237,550,685, G>C. VCF-style: chr1-237550685-G-C. GRCh37 (hg19) VCF-style: chr1-237713985-G-C.
Other names: short protein forms D1070H.
Identifiers: ClinVar variation 850093 (VCV000850093.13), dbSNP rs1670298968, ClinGen allele CA345395297.

ClinVar aggregate classification (germline): Uncertain significance. Review status: criteria provided, multiple submitters, no conflicts (2 of 4 stars). 2 submissions from 2 submitters: Uncertain significance (2). Last evaluated 2019-03-13.

Conditions:
Catecholaminergic polymorphic ventricular tachycardia 1. Also called: VENTRICULAR TACHYCARDIA, CATECHOLAMINERGIC POLYMORPHIC, 1, WITH OR WITHOUT ATRIAL DYSFUNCTION AND/OR DILATED CARDIOMYOPATHY; VENTRICULAR TACHYCARDIA, STRESS-INDUCED POLYMORPHIC 1; RYR2-Related Catecholaminergic Polymorphic Ventricular Tachycardia. Identifiers: Orphanet 3286, MedGen C1631597, MONDO:0011484, OMIM 604772.
Cardiomyopathy (CMYO). Also called: Cardiomyopathies. Identifiers: Orphanet 167848, MedGen C0878544, MONDO:0004994, HP:0001638. Inheritance: Various modes of inheritance.

Submissions (2):

Labcorp Genetics (formerly Invitae), Labcorp
Classification: Uncertain significance for Catecholaminergic polymorphic ventricular tachycardia 1. Last evaluated: 2019-03-13. Review status: criteria provided, single submitter. Criteria: Invitae Variant Classification Sherloc (09022015). Collection method: clinical testing. Allele origin: germline.
Comment: In summary, the available evidence is currently insufficient to determine the role of this variant in disease. Therefore, it has been classified as a Variant of Uncertain Significance. Algorithms developed to predict the effect of missense changes on protein structure and function (SIFT, PolyPhen-2, Align-GVGD) all suggest that this variant is likely to be disruptive, but these predictions have not been confirmed by published functional studies and their clinical significance is uncertain. This variant has not been reported in the literature in individuals with RYR2-related conditions. This variant is not present in population databases (ExAC no frequency). This sequence change replaces aspartic acid with histidine at codon 1070 of the RYR2 protein (p.Asp1070His). The aspartic acid residue is highly conserved and there is a moderate physicochemical difference between aspartic acid and histidine.

CHEO Genetics Diagnostic Laboratory, Children's Hospital of Eastern Ontario
Classification: Uncertain significance for Cardiomyopathy. Last evaluated: 2018-05-31. Review status: criteria provided, single submitter. Criteria: ACMG Guidelines, 2015. Collection method: clinical testing. Allele origin: germline.